The following is an entry in ClinVar:

NM_016203.4(PRKAG2):c.347G>A (p.Arg116His)

Gene: PRKAG2 (protein kinase AMP-activated non-catalytic subunit gamma 2; minus strand). Cytogenetic location: 7q36.1.
Variant type: single nucleotide variant.
Coding change: c.347G>A on transcript NM_016203.4 (MANE Select); coding-DNA position 347, G replaced by A.
Protein change: p.Arg116His; replaces arginine 116 with histidine.
Molecular consequence: missense variant.
Genome position (GRCh38, 1-based): chr7:151,781,271, C>T on the plus strand (G>A on the coding strand, the complement: PRKAG2 is on the minus strand). VCF-style: chr7-151781271-C-T. GRCh37 (hg19) VCF-style: chr7-151478357-C-T.
Other names: c.215G>A, p.Arg72His (NM_001040633.2); short protein forms R72H, R116H.
Identifiers: ClinVar variation 962865 (VCV000962865.10), dbSNP rs369471907, ClinGen allele CA056852.
Genomic context (GRCh38, chr7:151,781,271, plus strand): 5'-GGGGAAGACTCTTTGGAGGAGGAGCGGAAGATCCCACTGAAGCTCATGCGTCGAGGGGAG[C>T]GTGGCGGGGACTCCTGGTAGGAGAACGGGAACACGGTTTTGGGAGAGCCGGGGCTGGTCT-3'
Protein context (NP_057287.2, residues 106-126): FPFSYQESPP[Arg116His]SPRRMSFSGI

ClinVar aggregate classification (germline): Conflicting classifications of pathogenicity. Review status: criteria provided, conflicting classifications (1 of 4 stars). 4 submissions from 4 submitters: Uncertain significance (3); Likely benign (1). Last evaluated 2025-06-17.

Conditions:
Cardiovascular phenotype. Identifiers: MedGen CN230736.
Cardiomyopathy (CMYO). Also called: Cardiomyopathies. Identifiers: Orphanet 167848, MedGen C0878544, MONDO:0004994, HP:0001638. Inheritance: Various modes of inheritance.
Lethal congenital glycogen storage disease of heart. Also called: GLYCOGEN STORAGE DISEASE OF HEART; PHOSPHORYLASE KINASE DEFICIENCY OF HEART. Identifiers: Orphanet 439854, MedGen C1849813, MONDO:0009867, OMIM 261740.

gnomAD v4.1: 8 of 1,614,056 alleles (0.0005%); highest among the groups gnomAD compares: East Asian, 0.0067%; no homozygotes.

Submissions (4):

Color Diagnostics, LLC DBA Color Health
Classification: Uncertain significance for Cardiomyopathy. Last evaluated: 2025-06-17. Review status: criteria provided, single submitter. Criteria: ACMG Guidelines, 2015. Collection method: clinical testing. Allele origin: germline.
Comment: This missense variant replaces arginine with histidine at codon 116 of the PRKAG2 protein. Computational prediction suggests that this variant may not impact protein structure and function. To our knowledge, functional studies have not been reported for this variant. This variant has not been reported in individuals affected with PRKAG2-related disorders in the literature. This variant has been identified in 2/251226 chromosomes in the general population by the Genome Aggregation Database (gnomAD). The available evidence is insufficient to determine the role of this variant in disease conclusively. Therefore, this variant is classified as a Variant of Uncertain Significance.

Labcorp Genetics (formerly Invitae), Labcorp
Classification: Likely benign for Lethal congenital glycogen storage disease of heart. Last evaluated: 2024-10-20. Review status: criteria provided, single submitter. Criteria: Invitae Variant Classification Sherloc (09022015). Collection method: clinical testing. Allele origin: germline.

GeneDx
Classification: Uncertain significance. Last evaluated: 2024-07-31. Review status: criteria provided, single submitter. Criteria: GeneDx Variant Classification Process June 2021. Collection method: clinical testing. Allele origin: germline. Affected: yes.
Comment: Has not been previously published as pathogenic or benign to our knowledge; Not observed at significant frequency in large population cohorts (gnomAD); In silico analysis indicates that this missense variant does not alter protein structure/function

Ambry Genetics
Classification: Uncertain significance for Cardiovascular phenotype. Last evaluated: 2021-09-26. Review status: criteria provided, single submitter. Criteria: Ambry Variant Classification Scheme 2023. Collection method: clinical testing. Allele origin: germline.
Comment: The p.R116H variant (also known as c.347G>A), located in coding exon 3 of the PRKAG2 gene, results from a G to A substitution at nucleotide position 347. The arginine at codon 116 is replaced by histidine, an amino acid with highly similar properties. This amino acid position is conserved. In addition, the in silico prediction for this alteration is inconclusive. Since supporting evidence is limited at this time, the clinical significance of this alteration remains unclear.